The following is an entry in ClinVar:

ClinVar aggregate classification (germline): Uncertain significance. Review status: criteria provided, multiple submitters, no conflicts (2 of 4 stars). 2 submissions from 2 submitters: Uncertain significance (2). Last evaluated 2025-04-12.

Conditions:
Primary dilated cardiomyopathy (DCM). Also called: Dilated Cardiomyopathy. Identifiers: Orphanet 217604, MedGen C0007193, MeSH D002311, MONDO:0005021, HP:0001644. Inheritance: Various modes of inheritance.

gnomAD v4.1: 2 of 1,609,134 alleles (0.00012%); highest among the groups gnomAD compares: Non-Finnish European, 0.00017%; no homozygotes.

Submissions (2):

Ambry Genetics
Classification: Uncertain significance. Last evaluated: 2025-04-12. Review status: criteria provided, single submitter. Criteria: Ambry Variant Classification Scheme 2023. Collection method: clinical testing. Allele origin: germline.
Comment: The p.M517L variant (also known as c.1549A>T), located in coding exon 15 of the NEBL gene, results from an A to T substitution at nucleotide position 1549. The methionine at codon 517 is replaced by leucine, an amino acid with highly similar properties. This amino acid position is conserved. In addition, this alteration is predicted to be tolerated by in silico analysis. Based on the available evidence, the clinical significance of this variant remains unclear.

Labcorp Genetics (formerly Invitae), Labcorp
Classification: Uncertain significance for Primary dilated cardiomyopathy. Last evaluated: 2019-10-08. Review status: criteria provided, single submitter. Criteria: Invitae Variant Classification Sherloc (09022015). Collection method: clinical testing. Allele origin: germline.
Comment: This sequence change replaces methionine with leucine at codon 517 of the NEBL protein (p.Met517Leu). The methionine residue is weakly conserved and there is a small physicochemical difference between methionine and leucine. This variant is not present in population databases (ExAC no frequency). This variant has not been reported in the literature in individuals with NEBL-related conditions. Algorithms developed to predict the effect of missense changes on protein structure and function (SIFT, PolyPhen-2, Align-GVGD) all suggest that this variant is likely to be tolerated, but these predictions have not been confirmed by published functional studies and their clinical significance is uncertain. In summary, the available evidence is currently insufficient to determine the role of this variant in disease. Therefore, it has been classified as a Variant of Uncertain Significance.

NM_006393.3(NEBL):c.1549A>T (p.Met517Leu)

Gene: NEBL (nebulette; minus strand). Cytogenetic location: 10p12.31.
Variant type: single nucleotide variant.
Coding change: c.1549A>T on transcript NM_006393.3 (MANE Select); coding-DNA position 1549, A replaced by T.
Protein change: p.Met517Leu; replaces methionine 517 with leucine.
Molecular consequence: missense variant. On other transcripts: intron variant (9).
Genome position (GRCh38, 1-based): chr10:20,831,484, T>A on the plus strand (A>T on the coding strand, the complement: NEBL is on the minus strand). VCF-style: chr10-20831484-T-A. GRCh37 (hg19) VCF-style: chr10-21120413-T-A.
Other names: c.250-18544A>T (NM_001377326.1, NM_001377327.1, NM_001377328.1); c.358-18544A>T (NM_213569.2, NM_001173484.2, NM_001377322.1); c.301-18544A>T (NM_001377324.1); c.292-18544A>T (NM_001377325.1); c.310-18544A>T (NM_001377323.1); short protein forms M517L.
Identifiers: ClinVar variation 966146 (VCV000966146.12), dbSNP rs1430856878, ClinGen allele CA376097569.